The following is an entry in ClinVar:

NM_001792.5(CDH2):c.1603A>T (p.Thr535Ser)

Gene: CDH2 (cadherin 2; minus strand). Cytogenetic location: 18q12.1.
Variant type: single nucleotide variant.
Coding change: c.1603A>T on transcript NM_001792.5 (MANE Select); coding-DNA position 1603, A replaced by T.
Protein change: p.Thr535Ser; replaces threonine 535 with serine.
Molecular consequence: missense variant.
Genome position (GRCh38, 1-based): chr18:27,988,662, T>A on the plus strand (A>T on the coding strand, the complement: CDH2 is on the minus strand). VCF-style: chr18-27988662-T-A. GRCh37 (hg19) VCF-style: chr18-25568626-T-A.
Other names: c.1603A>T (NM_001792.3); c.1510A>T, p.Thr504Ser (NM_001308176.2); short protein forms T504S, T535S.
Identifiers: ClinVar variation 1989700 (VCV001989700.5), dbSNP rs1270723918, ClinGen allele CA402108242.

ClinVar aggregate classification (germline): Uncertain significance. Review status: criteria provided, multiple submitters, no conflicts (2 of 4 stars). 2 submissions from 2 submitters: Uncertain significance (2). Last evaluated 2025-11-05.

Conditions:
Inborn genetic diseases. Identifiers: MedGen C0950123, MeSH D030342.

Allele frequency attached by ClinVar (database versions not stated): gnomAD 0.00002; TOPMed 0.00002; gnomAD exomes 0.00003.
gnomAD v4.1: 41 of 1,594,986 alleles (0.0026%); highest among the groups gnomAD compares: Non-Finnish European, 0.0033%; no homozygotes.

Submissions (2):

Labcorp Genetics (formerly Invitae), Labcorp
Classification: Uncertain significance. Last evaluated: 2025-11-05. Review status: criteria provided, single submitter. Criteria: Invitae Variant Classification Sherloc (09022015). Collection method: clinical testing. Allele origin: germline.
Comment: This sequence change replaces threonine, which is neutral and polar, with serine, which is neutral and polar, at codon 535 of the CDH2 protein (p.Thr535Ser). This variant is present in population databases (no rsID available, gnomAD 0.007%). This variant has not been reported in the literature in individuals affected with CDH2-related conditions. ClinVar contains an entry for this variant (Variation ID: 1989700). An algorithm developed to predict the effect of missense changes on protein structure and function (PolyPhen-2) suggests that this variant is likely to be tolerated. In summary, the available evidence is currently insufficient to determine the role of this variant in disease. Therefore, it has been classified as a Variant of Uncertain Significance.

Ambry Genetics
Classification: Uncertain significance for Inborn genetic diseases. Last evaluated: 2024-03-08. Review status: criteria provided, single submitter. Criteria: Ambry Variant Classification Scheme 2023. Collection method: clinical testing. Allele origin: germline.
Comment: The p.T535S variant (also known as c.1603A>T), located in coding exon 11 of the CDH2 gene, results from an A to T substitution at nucleotide position 1603. The threonine at codon 535 is replaced by serine, an amino acid with similar properties. This amino acid position is conserved. In addition, this alteration is predicted to be tolerated by in silico analysis. Based on the available evidence, the clinical significance of this alteration remains unclear.